The following is an entry in ClinVar:

NC_000005.9:g.(?_112072721)_(112073585_?)del

Gene: APC (APC regulator of Wnt signaling pathway; plus strand). Cytogenetic location: 5q22.2.
Variant type: Deletion.
Identifiers: ClinVar variation 1371809 (VCV001371809.6).

ClinVar aggregate classification (germline): Uncertain significance (1 of 4 stars; one submission).

Conditions:
Familial adenomatous polyposis 1 (FAP1). Also called: FAMILIAL ADENOMATOUS POLYPOSIS 1, ATTENUATED; POLYPOSIS, ADENOMATOUS INTESTINAL. Identifiers: MedGen C2713442, MONDO:0021056, OMIM 175100. Disease mechanism: loss of function.

Submission:

Labcorp Genetics (formerly Invitae), Labcorp
Classification: Uncertain significance for Familial adenomatous polyposis 1. Last evaluated: 2023-12-19. Review status: criteria provided, single submitter. Criteria: Invitae Variant Classification Sherloc (09022015). Collection method: clinical testing. Allele origin: germline.
Comment: This variant is a gross deletion that occurs in a non-coding region of the APC gene. It does not change the encoded amino acid sequence of the APC protein. A similar copy number variant has been observed in individual(s) with colorectal cancer and familial adenomatous polyposis (PMID: 18982352, 27978560). In summary, the available evidence is currently insufficient to determine the role of this variant in disease. Therefore, it has been classified as a Variant of Uncertain Significance.

Literature cited by the submitters: PubMed 18982352; PubMed 27978560.